The following is an entry in ClinVar:

NM_001142800.2(EYS):c.8072-2A>G

Gene: EYS (EGF-like photoreceptor maintenance factor; minus strand). Cytogenetic location: 6q12.
Variant type: single nucleotide variant.
Coding change: c.8072-2A>G on transcript NM_001142800.2 (MANE Select); the canonical splice acceptor site of the intron before coding-DNA position 8072, A replaced by G.
Molecular consequence: splice acceptor variant.
Genome position (GRCh38, 1-based): chr6:63,726,682, T>C on the plus strand (A>G on the coding strand, the complement: EYS is on the minus strand). VCF-style: chr6-63726682-T-C. GRCh37 (hg19) VCF-style: chr6-64436575-T-C.
Other names: c.8135-2A>G (NM_001292009.2).
Identifiers: ClinVar variation 2675262 (VCV002675262.4), dbSNP rs2533413297, ClinGen allele CA364386521.

ClinVar aggregate classification (germline): Likely pathogenic. Review status: criteria provided, multiple submitters, no conflicts (2 of 4 stars). 2 submissions from 2 submitters: Likely pathogenic (2). Last evaluated 2025-04-08.

Conditions:
Retinitis pigmentosa 25 (RP25). Identifiers: Orphanet 791, MedGen C1864446, MONDO:0011272, OMIM 602772.

Allele frequency attached by ClinVar (database versions not stated): gnomAD exomes below 0.00001.
gnomAD v4.1: 1 of 1,550,326 alleles (0.000065%); highest among the groups gnomAD compares: African/African-American, 0.0014%; no homozygotes.

Submissions (2):

Labcorp Genetics (formerly Invitae), Labcorp
Classification: Likely pathogenic. Last evaluated: 2025-04-08. Review status: criteria provided, single submitter. Criteria: Invitae Variant Classification Sherloc (09022015). Collection method: clinical testing. Allele origin: germline.
Comment: This sequence change affects an acceptor splice site in intron 41 of the EYS gene. It is expected to disrupt RNA splicing. Variants that disrupt the donor or acceptor splice site typically lead to a loss of protein function (PMID: 16199547), and loss-of-function variants in EYS are known to be pathogenic (PMID: 18836446, 20333770). This variant is not present in population databases (gnomAD no frequency). This variant has not been reported in the literature in individuals affected with EYS-related conditions. ClinVar contains an entry for this variant (Variation ID: 2675262). Algorithms developed to predict the effect of sequence changes on RNA splicing suggest that this variant may disrupt the consensus splice site. In summary, the currently available evidence indicates that the variant is pathogenic, but additional data are needed to prove that conclusively. Therefore, this variant has been classified as Likely Pathogenic.

Baylor Genetics
Classification: Likely pathogenic for Retinitis pigmentosa 25. Last evaluated: 2023-08-02. Review status: criteria provided, single submitter. Criteria: ACMG Guidelines, 2015. Collection method: clinical testing. Allele origin: unknown.

Literature cited by the submitters: PubMed 16199547 (cited by Labcorp Genetics (formerly Invitae), Labcorp); PubMed 18836446 (cited by Labcorp Genetics (formerly Invitae), Labcorp); PubMed 20333770 (cited by Labcorp Genetics (formerly Invitae), Labcorp).